The following is an entry in ClinVar:

NM_001291746.2(REL):c.1366C>G (p.Pro456Ala)

Gene: REL (REL proto-oncogene, NF-kB subunit; plus strand). Cytogenetic location: 2p16.1.
Variant type: single nucleotide variant.
Coding change: c.1366C>G on transcript NM_001291746.2 (MANE Select); coding-DNA position 1366, C replaced by G.
Protein change: p.Pro456Ala; replaces proline 456 with alanine.
Molecular consequence: missense variant.
Genome position (GRCh38, 1-based): chr2:60,922,137, C>G. VCF-style: chr2-60922137-C-G. GRCh37 (hg19) VCF-style: chr2-61149272-C-G.
Other names: c.1462C>G, p.Pro488Ala (NM_002908.4); short protein forms P488A, P456A.
Identifiers: ClinVar variation 3003801 (VCV003003801.1), dbSNP rs368347318, ClinGen allele CA1672477.

ClinVar aggregate classification (germline): Uncertain significance (1 of 4 stars; one submission).

Allele frequency attached by ClinVar (database versions not stated): gnomAD 0.00001; TOPMed 0.00001; ExAC 0.00002; gnomAD exomes 0.00002; ESP Exome Variant Server 0.00008.
gnomAD v4.1: 35 of 1,613,974 alleles (0.0022%); highest among the groups gnomAD compares: Non-Finnish European, 0.0025%; no homozygotes.

Submission:

Labcorp Genetics (formerly Invitae), Labcorp
Classification: Uncertain significance. Last evaluated: 2023-09-19. Review status: criteria provided, single submitter. Criteria: Invitae Variant Classification Sherloc (09022015). Collection method: clinical testing. Allele origin: germline.
Comment: In summary, the available evidence is currently insufficient to determine the role of this variant in disease. Therefore, it has been classified as a Variant of Uncertain Significance. Algorithms developed to predict the effect of missense changes on protein structure and function output the following: SIFT: "Not Available"; PolyPhen-2: "Benign"; Align-GVGD: "Not Available". The alanine amino acid residue is found in multiple mammalian species, which suggests that this missense change does not adversely affect protein function. This variant has not been reported in the literature in individuals affected with REL-related conditions. This variant is present in population databases (rs368347318, gnomAD 0.002%). This sequence change replaces proline, which is neutral and non-polar, with alanine, which is neutral and non-polar, at codon 488 of the REL protein (p.Pro488Ala).